The following is an entry in ClinVar:

ClinVar aggregate classification (germline): Uncertain significance (1 of 4 stars; one submission).

gnomAD v4.1: 3 of 1,607,276 alleles (0.00019%); highest among the groups gnomAD compares: Non-Finnish European, 0.00025%; no homozygotes.

Submission:

Labcorp Genetics (formerly Invitae), Labcorp
Classification: Uncertain significance. Last evaluated: 2021-06-03. Review status: criteria provided, single submitter. Criteria: Invitae Variant Classification Sherloc (09022015). Collection method: clinical testing. Allele origin: germline.
Comment: This sequence change replaces glycine with alanine at codon 615 of the HELLS protein (p.Gly615Ala). The glycine residue is highly conserved and there is a small physicochemical difference between glycine and alanine. This variant is not present in population databases (ExAC no frequency). This variant has not been reported in the literature in individuals with HELLS-related conditions. Algorithms developed to predict the effect of missense changes on protein structure and function are either unavailable or do not agree on the potential impact of this missense change (SIFT: "Tolerated"; PolyPhen-2: "Possibly Damaging"; Align-GVGD: "Class C0"). In summary, the available evidence is currently insufficient to determine the role of this variant in disease. Therefore, it has been classified as a Variant of Uncertain Significance.

NM_018063.5(HELLS):c.1844G>C (p.Gly615Ala)

Gene: HELLS (helicase, lymphoid specific; plus strand). Cytogenetic location: 10q23.33.
Variant type: single nucleotide variant.
Coding change: c.1844G>C on transcript NM_018063.5 (MANE Select); coding-DNA position 1844, G replaced by C.
Protein change: p.Gly615Ala; replaces glycine 615 with alanine.
Molecular consequence: missense variant.
Genome position (GRCh38, 1-based): chr10:94,592,305, G>C. VCF-style: chr10-94592305-G-C. GRCh37 (hg19) VCF-style: chr10-96352062-G-C.
Other names: c.1982G>C, p.Gly661Ala (NM_001289067.2); c.1796G>C, p.Gly599Ala (NM_001289068.2); c.1748G>C, p.Gly583Ala (NM_001289069.2); c.1550G>C, p.Gly517Ala (NM_001289070.2); c.1472G>C, p.Gly491Ala (NM_001289071.2); c.1454G>C, p.Gly485Ala (NM_001289072.2); c.1430G>C, p.Gly477Ala (NM_001289073.2); c.761G>C, p.Gly254Ala (NM_001289074.2); and 1 more; short protein forms G491A, G517A, G661A, G209A, G599A, G254A, G477A, G615A.
Identifiers: ClinVar variation 1358712 (VCV001358712.8), dbSNP rs1250772685, ClinGen allele CA377667072.